The following is an entry in ClinVar:

NM_006939.4(SOS2):c.3788C>G (p.Pro1263Arg)

Gene: SOS2 (SOS Ras/Rho guanine nucleotide exchange factor 2; minus strand). Cytogenetic location: 14q21.3.
Variant type: single nucleotide variant.
Coding change: c.3788C>G on transcript NM_006939.4 (MANE Select); coding-DNA position 3788, C replaced by G.
Protein change: p.Pro1263Arg; replaces proline 1263 with arginine.
Molecular consequence: missense variant.
Genome position (GRCh38, 1-based): chr14:50,118,555, G>C on the plus strand (C>G on the coding strand, the complement: SOS2 is on the minus strand). VCF-style: chr14-50118555-G-C. GRCh37 (hg19) VCF-style: chr14-50585273-G-C.
Other names: c.3788C>G (NM_006939.2); short protein forms P1263R.
Identifiers: ClinVar variation 984502 (VCV000984502.14), dbSNP rs569343105, ClinGen allele CA7176705.

ClinVar aggregate classification (germline): Conflicting classifications of pathogenicity. Review status: criteria provided, conflicting classifications (1 of 4 stars). 5 submissions from 5 submitters: Uncertain significance (3); Likely benign (1). 1 of the submissions does not count toward it. Last evaluated 2025-12-15.

Conditions:
Cardiovascular phenotype. Identifiers: MedGen CN230736.
SOS2-related disorder. Also called: SOS2-related condition.
Noonan syndrome 9 (NS9). Identifiers: Orphanet 648, MedGen C4225282, MONDO:0014691, OMIM 616559.

Allele frequency attached by ClinVar (database versions not stated): TOPMed 0.00001; gnomAD exomes 0.00002; ExAC 0.00003; gnomAD 0.00003 and 0.00004; 1000 Genomes Project 30x 0.00016; 1000 Genomes Project 0.00020.
gnomAD v4.1: 25 of 1,614,146 alleles (0.0015%); highest among the groups gnomAD compares: South Asian, 0.0033%; 1 homozygote.

Submissions (5):

Labcorp Genetics (formerly Invitae), Labcorp
Classification: Likely benign for Noonan syndrome 9. Last evaluated: 2025-12-15. Review status: criteria provided, single submitter. Criteria: Invitae Variant Classification Sherloc (09022015). Collection method: clinical testing. Allele origin: germline.

Ambry Genetics
Classification: Uncertain significance for Cardiovascular phenotype. Last evaluated: 2025-11-24. Review status: criteria provided, single submitter. Criteria: Ambry Variant Classification Scheme 2023. Collection method: clinical testing. Allele origin: germline.
Comment: The p.P1263R variant (also known as c.3788C>G), located in coding exon 23 of the SOS2 gene, results from a C to G substitution at nucleotide position 3788. The proline at codon 1263 is replaced by arginine, an amino acid with dissimilar properties. This amino acid position is conserved. In addition, the in silico prediction for this alteration is inconclusive. Since supporting evidence is limited at this time, the clinical significance of this alteration remains unclear.

Women's Health and Genetics/Laboratory Corporation of America, LabCorp
Classification: Uncertain significance. Last evaluated: 2020-10-01. Review status: criteria provided, single submitter. Criteria: LabCorp Variant Classification Summary - May 2015. Collection method: clinical testing. Allele origin: germline.
Comment: Variant summary: SOS2 c.3788C>G (p.Pro1263Arg) results in a non-conservative amino acid change in the encoded protein sequence. Four of five in-silico tools predict a damaging effect of the variant on protein function. The variant allele was found at a frequency of 2.4e-05 in 251450 control chromosomes. The available data on variant occurrences in the general population are insufficient to allow any conclusion about variant significance. To our knowledge, no occurrence of c.3788C>G in individuals affected with Noonan Syndrome and no experimental evidence demonstrating its impact on protein function have been reported. No clinical diagnostic laboratories have submitted clinical-significance assessments for this variant to ClinVar after 2014. Based on the evidence outlined above, the variant was classified as uncertain significance.

Genome-Nilou Lab
Classification: Uncertain significance for Noonan syndrome 9. Review status: criteria provided, single submitter. Criteria: ACMG Guidelines, 2015. Collection method: clinical testing. Allele origin: germline.

PreventionGenetics, part of Exact Sciences
Classification: Uncertain significance for SOS2-related condition. Last evaluated: 2024-03-15. Review status: no assertion criteria provided. Collection method: clinical testing. Allele origin: germline. Not counted in ClinVar's aggregate classification.
Comment: The SOS2 c.3788C>G variant is predicted to result in the amino acid substitution p.Pro1263Arg. To our knowledge, this variant has not been reported in the literature. This variant is reported in 0.0065% of alleles in individuals of South Asian descent in gnomAD. At this time, the clinical significance of this variant is uncertain due to the absence of conclusive functional and genetic evidence.